The following is an entry in ClinVar:

NM_012106.4(ARL2BP):c.207C>T (p.Tyr69=)

Gene: ARL2BP (ARF like GTPase 2 binding protein; plus strand). Cytogenetic location: 16q13.
Variant type: single nucleotide variant.
Coding change: c.207C>T on transcript NM_012106.4 (MANE Select); coding-DNA position 207, C replaced by T.
Protein change: p.Tyr69=; no amino-acid change (tyrosine 69 retained).
Molecular consequence: synonymous variant.
Genome position (GRCh38, 1-based): chr16:57,248,643, C>T. VCF-style: chr16-57248643-C-T. GRCh37 (hg19) VCF-style: chr16-57282555-C-T.
Identifiers: ClinVar variation 732902 (VCV000732902.20), dbSNP rs201489348, ClinGen allele CA8074875.
Genomic context (GRCh38, chr16:57,248,643, plus strand): 5'-CCTGGAGTTTGAAGACACAGAAGAGAATAAACTCATCTACACACCTATTTTTAATGAATA[C>T]GTAAGTAGATTTCTATGTCTCCTACCAGGAGGTCAGAGTTTTTAAAAATTTAAATTTAGA-3'
Protein context (NP_036238.1, residues 59-79): KLIYTPIFNE[Tyr69=]ISLVEKYIEE

ClinVar aggregate classification (germline): Likely benign. Review status: criteria provided, multiple submitters, no conflicts (2 of 4 stars). 5 submissions from 5 submitters: Likely benign (3). 2 of the submissions do not count toward it. Last evaluated 2025-11-27.

Allele frequency attached by ClinVar (database versions not stated): ExAC 0.00007; ESP Exome Variant Server 0.00008; gnomAD exomes 0.00010 and 0.00017; gnomAD 0.00018; TOPMed 0.00020.
gnomAD v4.1: 255 of 1,521,402 alleles (0.017%); highest among the groups gnomAD compares: Non-Finnish European, 0.022%; no homozygotes.

Submissions (5):

Labcorp Genetics (formerly Invitae), Labcorp
Classification: Likely benign. Last evaluated: 2025-11-27. Review status: criteria provided, single submitter. Criteria: Invitae Variant Classification Sherloc (09022015). Collection method: clinical testing. Allele origin: germline.

CeGaT Center for Human Genetics Tuebingen
Classification: Likely benign. Last evaluated: 2025-07-01. Review status: criteria provided, single submitter. Criteria: CeGaT Center For Human Genetics Tuebingen Variant Classification Criteria Version 2. Collection method: clinical testing. Allele origin: germline. Affected: yes. Observed: 1 variant allele.
Comment: ARL2BP: BP4, BP7

Blueprint Genetics
Classification: Likely benign. Last evaluated: 2024-10-03. Review status: criteria provided, single submitter. Criteria: ACMG Guidelines, 2015. Collection method: clinical testing. Allele origin: germline.

Clinical Genetics DNA and cytogenetics Diagnostics Lab, Erasmus MC, Erasmus Medical Center
Classification: Likely benign. Review status: no assertion criteria provided. Collection method: clinical testing. Allele origin: germline. Affected: yes. Study: VKGL Data-share Consensus. Not counted in ClinVar's aggregate classification.

Clinical Genetics, Academic Medical Center
Classification: Likely benign. Review status: no assertion criteria provided. Collection method: clinical testing. Allele origin: germline. Affected: yes. Study: VKGL Data-share Consensus. Not counted in ClinVar's aggregate classification.